The following is an entry in ClinVar:

ClinVar aggregate classification (germline): Uncertain significance. Review status: criteria provided, multiple submitters, no conflicts (2 of 4 stars). 2 submissions from 2 submitters: Uncertain significance (2). Last evaluated 2025-08-21.

Conditions:
Hereditary cancer-predisposing syndrome. Also called: Hereditary Cancer Syndrome; Hereditary neoplastic syndrome; Neoplastic Syndromes, Hereditary; Tumor predisposition. Identifiers: Orphanet 140162, MedGen C0027672, MeSH D009386, MONDO:0015356.
Bloom syndrome (BLM). Also called: Bloom-Torre-Machacek syndrome. Identifiers: Orphanet 125, MedGen C0005859, MONDO:0008876, OMIM 210900.

Submissions (2):

Ambry Genetics
Classification: Uncertain significance for Hereditary cancer-predisposing syndrome. Last evaluated: 2025-08-21. Review status: criteria provided, single submitter. Criteria: Ambry Variant Classification Scheme 2023. Collection method: clinical testing. Allele origin: germline.

Labcorp Genetics (formerly Invitae), Labcorp
Classification: Uncertain significance for Bloom syndrome. Last evaluated: 2024-03-15. Review status: criteria provided, single submitter. Criteria: Invitae Variant Classification Sherloc (09022015). Collection method: clinical testing. Allele origin: germline.
Comment: This sequence change replaces asparagine, which is neutral and polar, with histidine, which is basic and polar, at codon 504 of the BLM protein (p.Asn504His). This variant is not present in population databases (gnomAD no frequency). This variant has not been reported in the literature in individuals affected with BLM-related conditions. ClinVar contains an entry for this variant (Variation ID: 1774196). Advanced modeling of protein sequence and biophysical properties (such as structural, functional, and spatial information, amino acid conservation, physicochemical variation, residue mobility, and thermodynamic stability) performed at Invitae indicates that this missense variant is not expected to disrupt BLM protein function with a negative predictive value of 80%. In summary, the available evidence is currently insufficient to determine the role of this variant in disease. Therefore, it has been classified as a Variant of Uncertain Significance.

NM_000057.4(BLM):c.1510A>C (p.Asn504His)

Gene: BLM (BLM RecQ like helicase; plus strand). Cytogenetic location: 15q26.1.
Variant type: single nucleotide variant.
Coding change: c.1510A>C on transcript NM_000057.4 (MANE Select); coding-DNA position 1510, A replaced by C.
Protein change: p.Asn504His; replaces asparagine 504 with histidine.
Molecular consequence: missense variant.
Genome position (GRCh38, 1-based): chr15:90,760,883, A>C. VCF-style: chr15-90760883-A-C. GRCh37 (hg19) VCF-style: chr15-91304113-A-C.
Other names: c.1510A>C, p.Asn504His (NM_001287246.2, NM_001287247.2); c.385A>C, p.Asn129His (NM_001287248.2); short protein forms N504H, N129H.
Identifiers: ClinVar variation 1774196 (VCV001774196.6), dbSNP rs2505426669, ClinGen allele CA393843213.